The following is an entry in ClinVar:

NM_133497.4(KCNV2):c.1043T>G (p.Leu348Arg)

Gene: KCNV2 (potassium voltage-gated channel modifier subfamily V member 2; plus strand). Cytogenetic location: 9p24.2.
Variant type: single nucleotide variant.
Coding change: c.1043T>G on transcript NM_133497.4 (MANE Select); coding-DNA position 1043, T replaced by G.
Protein change: p.Leu348Arg; replaces leucine 348 with arginine.
Molecular consequence: missense variant.
Genome position (GRCh38, 1-based): chr9:2,718,782, T>G. VCF-style: chr9-2718782-T-G. GRCh37 (hg19) VCF-style: chr9-2718782-T-G.
Other names: short protein forms L348R.
Identifiers: ClinVar variation 2000761 (VCV002000761.4), dbSNP rs201425989, ClinGen allele CA372801507.
Genomic context (GRCh38, chr9:2,718,782, plus strand): 5'-GGCGCTTCGCGCGCAGCGCCCTCAACCTGGTGGACCTGGTGGCCATCCTGCCGCTCTACC[T>G]TCAGCTGCTGCTCGAGTGCTTCACGGGCGAGGGCCACCAACGCGGCCAGACGGTGGGCAG-3'
Protein context (NP_598004.1, residues 338-358): VDLVAILPLY[Leu348Arg]QLLLECFTGE

ClinVar aggregate classification (germline): Uncertain significance (1 of 4 stars; one submission).

gnomAD v4.1: 1 of 1,611,100 alleles (0.000062%); highest among the groups gnomAD compares: South Asian, 0.0011%; no homozygotes.

Submission:

Labcorp Genetics (formerly Invitae), Labcorp
Classification: Uncertain significance. Last evaluated: 2022-05-29. Review status: criteria provided, single submitter. Criteria: Invitae Variant Classification Sherloc (09022015). Collection method: clinical testing. Allele origin: germline.
Comment: This sequence change replaces leucine, which is neutral and non-polar, with arginine, which is basic and polar, at codon 348 of the KCNV2 protein (p.Leu348Arg). This variant is present in population databases (no rsID available, gnomAD 0.003%). This variant has not been reported in the literature in individuals affected with KCNV2-related conditions. Advanced modeling of protein sequence and biophysical properties (such as structural, functional, and spatial information, amino acid conservation, physicochemical variation, residue mobility, and thermodynamic stability) performed at Invitae indicates that this missense variant is expected to disrupt KCNV2 protein function. In summary, the available evidence is currently insufficient to determine the role of this variant in disease. Therefore, it has been classified as a Variant of Uncertain Significance.